The following is an entry in ClinVar:

NM_001242896.3(DEPDC5):c.1071G>A (p.Met357Ile)

Gene: DEPDC5 (DEP domain containing 5, GATOR1 subcomplex subunit; plus strand). Cytogenetic location: 22q12.3.
Variant type: single nucleotide variant.
Coding change: c.1071G>A on transcript NM_001242896.3 (MANE Select); coding-DNA position 1071, G replaced by A.
Protein change: p.Met357Ile; replaces methionine 357 with isoleucine.
Molecular consequence: missense variant. On other transcripts: non-coding transcript variant (5).
Genome position (GRCh38, 1-based): chr22:31,802,828, G>A. VCF-style: chr22-31802828-G-A. GRCh37 (hg19) VCF-style: chr22-32198814-G-A.
Other names: c.1071G>A, p.Met357Ile (NM_001007188.4, NM_001136029.4, NM_001242897.2 and 7 more transcripts); c.987G>A, p.Met329Ile (NM_001369901.1, NM_001369902.1); short protein forms M329I, M357I.
Identifiers: ClinVar variation 1720541 (VCV001720541.5), dbSNP rs2518879488, ClinGen allele CA411292991.

ClinVar aggregate classification (germline): Uncertain significance (1 of 4 stars; one submission).

Conditions:
Familial focal epilepsy with variable foci (FPEVF). Identifiers: Orphanet 98820, MedGen C1858477, MONDO:0020310.

Submission:

Labcorp Genetics (formerly Invitae), Labcorp
Classification: Uncertain significance for Familial focal epilepsy with variable foci. Last evaluated: 2022-09-27. Review status: criteria provided, single submitter. Criteria: Invitae Variant Classification Sherloc (09022015). Collection method: clinical testing. Allele origin: germline.
Comment: This sequence change replaces methionine, which is neutral and non-polar, with isoleucine, which is neutral and non-polar, at codon 357 of the DEPDC5 protein (p.Met357Ile). In summary, the available evidence is currently insufficient to determine the role of this variant in disease. Therefore, it has been classified as a Variant of Uncertain Significance. Algorithms developed to predict the effect of missense changes on protein structure and function are either unavailable or do not agree on the potential impact of this missense change (SIFT: "Tolerated"; PolyPhen-2: "Not Available"; Align-GVGD: "Class C0"). This variant has not been reported in the literature in individuals affected with DEPDC5-related conditions. This variant is not present in population databases (gnomAD no frequency).